The following is an entry in ClinVar:

NM_001378454.1(ALMS1):c.3298del (p.Arg1100fs)

Gene: ALMS1 (ALMS1 centrosome and basal body associated protein; plus strand). Cytogenetic location: 2p13.1.
Variant type: Deletion.
Coding change: c.3298del on transcript NM_001378454.1 (MANE Select); coding-DNA position 3298, one base deleted (A; older notation c.3298delA).
Protein change: p.Arg1100fs; shifts the reading frame from arginine 1100.
Molecular consequence: frameshift variant.
Genome position (GRCh38, 1-based): chr2:73,449,825, A deleted; the last of 3 consecutive A bases (chr2:73,449,823-73,449,825); deleting any one gives the same sequence. VCF-style (leftmost placement, unchanged base first): chr2-73449822-CA-C. GRCh37 (hg19) VCF-style: chr2-73676949-CA-C.
Other names: c.3301del, p.Arg1101fs (NM_015120.4); short protein forms R1100fs, R1101fs.
Identifiers: ClinVar variation 959236 (VCV000959236.7), dbSNP rs1553403653, ClinGen allele CA1139657111.
Genomic context (GRCh38, chr2:73,449,822, plus strand): 5'-TTCCCTGGACCAGCTGACCAGATGACTGACACACCAGCAGTACCGTCTACTTTCTACTCA[CA>C]AAGAGAGAAGCCTGGTATTTTCTACCAACAGACCTTGCCAGAGAGTCATCTGCCTAAAGA-3'

ClinVar aggregate classification (germline): Pathogenic (1 of 4 stars; one submission).

Conditions:
Alstrom syndrome (ALMS). Identifiers: Orphanet 64, MedGen C0268425, MONDO:0008763, OMIM 203800.

Submission:

Labcorp Genetics (formerly Invitae), Labcorp
Classification: Pathogenic for Alstrom syndrome. Last evaluated: 2019-11-09. Review status: criteria provided, single submitter. Criteria: Invitae Variant Classification Sherloc (09022015). Collection method: clinical testing. Allele origin: germline.
Comment: For these reasons, this variant has been classified as Pathogenic. Loss-of-function variants in ALMS1 are known to be pathogenic (PMID: 17594715). This variant has not been reported in the literature in individuals with ALMS1-related conditions. This variant is not present in population databases (ExAC no frequency). This sequence change creates a premature translational stop signal (p.Arg1101Glufs*22) in the ALMS1 gene. It is expected to result in an absent or disrupted protein product.

Literature cited by the submitters: PubMed 17594715.